The following is an entry in ClinVar:

NM_024301.5(FKRP):c.446G>A (p.Arg149His)

Gene: FKRP (fukutin related protein; plus strand). Cytogenetic location: 19q13.32.
Variant type: single nucleotide variant.
Coding change: c.446G>A on transcript NM_024301.5 (MANE Select); coding-DNA position 446, G replaced by A.
Protein change: p.Arg149His; replaces arginine 149 with histidine.
Molecular consequence: missense variant.
Genome position (GRCh38, 1-based): chr19:46,755,896, G>A. VCF-style: chr19-46755896-G-A. GRCh37 (hg19) VCF-style: chr19-47259153-G-A.
Other names: c.446G>A, p.Arg149His (NM_001039885.3); short protein forms R149H.
Identifiers: ClinVar variation 459236 (VCV000459236.7), dbSNP rs1449983261, ClinGen allele CA406495346.
Genomic context (GRCh38, chr19:46,755,896, plus strand): 5'-TACCTGATGGGGCGCGGGCTGAGGCACCTGGCCTGCTGGAGCGCATGGTGGAGGCGCTCC[G>A]CGCAGGAAGCGCACGTCTGGTGGCCGCCCCGGTTGCCACGGCCAACCCTGCCAGGTGCCT-3'
Protein context (NP_077277.1, residues 139-159): GLLERMVEAL[Arg149His]AGSARLVAAP

ClinVar aggregate classification (germline): Uncertain significance. Review status: criteria provided, multiple submitters, no conflicts (2 of 4 stars). 3 submissions from 3 submitters: Uncertain significance (2). 1 of the submissions does not count toward it. Last evaluated 2025-11-12.

Conditions:
Cardiovascular phenotype. Identifiers: MedGen CN230736.
Walker-Warburg congenital muscular dystrophy. Also called: Muscular dystrophy-dystroglycanopathy, type A; Walker-Warburg syndrome. Identifiers: Orphanet 899, MedGen C0265221, MONDO:0000171.
Autosomal recessive limb-girdle muscular dystrophy type 2I. Also called: MUSCULAR DYSTROPHY-DYSTROGLYCANOPATHY (LIMB-GIRDLE), TYPE C, 5; MUSCULAR DYSTROPHY, LIMB-GIRDLE, TYPE 2I; MUSCULAR DYSTROPHY-DYSTROGLYCANOPATHY, LIMB-GIRDLE, FRKP-RELATED. Identifiers: Orphanet 34515, MedGen C1846672, MONDO:0011787, OMIM 607155.

Allele frequency attached by ClinVar (database versions not stated): gnomAD exomes 0.00001; TOPMed 0.00002; gnomAD 0.00003.

Submissions (3):

Ambry Genetics
Classification: Uncertain significance for Cardiovascular phenotype. Last evaluated: 2025-11-12. Review status: criteria provided, single submitter. Criteria: Ambry Variant Classification Scheme 2023. Collection method: clinical testing. Allele origin: germline.

Labcorp Genetics (formerly Invitae), Labcorp
Classification: Uncertain significance for Walker-Warburg congenital muscular dystrophy. Last evaluated: 2021-08-30. Review status: criteria provided, single submitter. Criteria: Invitae Variant Classification Sherloc (09022015). Collection method: clinical testing. Allele origin: germline.
Comment: This sequence change replaces arginine with histidine at codon 149 of the FKRP protein (p.Arg149His). The arginine residue is moderately conserved and there is a small physicochemical difference between arginine and histidine. The frequency data for this variant in the population databases is considered unreliable, as metrics indicate insufficient coverage at this position in the ExAC database. This variant has not been reported in the literature in individuals affected with FKRP-related conditions. Algorithms developed to predict the effect of missense changes on protein structure and function (SIFT, PolyPhen-2, Align-GVGD) all suggest that this variant is likely to be tolerated. In summary, the available evidence is currently insufficient to determine the role of this variant in disease. Therefore, it has been classified as a Variant of Uncertain Significance.

Natera, Inc.
Classification: Uncertain significance for Limb-girdle muscular dystrophy type 2I. Last evaluated: 2020-08-27. Review status: no assertion criteria provided. Collection method: clinical testing. Allele origin: germline. Not counted in ClinVar's aggregate classification.